The following is an entry in ClinVar:

NM_000059.4(BRCA2):c.475+3A>C

Gene: BRCA2 (BRCA2 DNA repair associated; plus strand). Cytogenetic location: 13q13.1.
Variant type: single nucleotide variant.
Coding change: c.475+3A>C on transcript NM_000059.4 (MANE Select); 3 bases into the intron after coding-DNA position 475, A replaced by C.
Molecular consequence: intron variant.
Genome position (GRCh38, 1-based): chr13:32,326,153, A>C. VCF-style: chr13-32326153-A-C. GRCh37 (hg19) VCF-style: chr13-32900290-A-C.
Identifiers: ClinVar variation 2089178 (VCV002089178.4), dbSNP rs81002795, ClinGen allele CA2580087006.

ClinVar aggregate classification (germline): Uncertain significance (1 of 4 stars; one submission).

Conditions:
Hereditary breast ovarian cancer syndrome. Also called: Hereditary breast and ovarian cancer syndrome; Breast and ovarian cancer; BRCA1- and BRCA2-Associated Hereditary Breast and Ovarian Cancer; Hereditary breast and ovarian cancer syndrome (HBOC); Hereditary breast and ovarian cancer; Hereditary breast and/or ovarian cancer syndrome. Identifiers: Orphanet 145, MedGen C0677776, MeSH D061325, MONDO:0003582. Disease mechanism: loss of function.

Submission:

Labcorp Genetics (formerly Invitae), Labcorp
Classification: Uncertain significance for Hereditary breast ovarian cancer syndrome. Last evaluated: 2022-01-31. Review status: criteria provided, single submitter. Criteria: Invitae Variant Classification Sherloc (09022015). Collection method: clinical testing. Allele origin: germline.
Comment: In summary, the available evidence is currently insufficient to determine the role of this variant in disease. Therefore, it has been classified as a Variant of Uncertain Significance. Variants that disrupt the consensus splice site are a relatively common cause of aberrant splicing (PMID: 17576681, 9536098). Algorithms developed to predict the effect of sequence changes on RNA splicing suggest that this variant may disrupt the consensus splice site. This variant has not been reported in the literature in individuals affected with BRCA2-related conditions. This variant is not present in population databases (gnomAD no frequency). This sequence change falls in intron 5 of the BRCA2 gene. It does not directly change the encoded amino acid sequence of the BRCA2 protein. It affects a nucleotide within the consensus splice site.

Literature cited by the submitters: PubMed 17576681; PubMed 9536098.